The following is an entry in ClinVar:

NM_003995.4(NPR2):c.838C>T (p.Arg280Trp)

Gene: NPR2 (natriuretic peptide receptor 2; plus strand). Cytogenetic location: 9p13.3.
Variant type: single nucleotide variant.
Coding change: c.838C>T on transcript NM_003995.4 (MANE Select); coding-DNA position 838, C replaced by T.
Protein change: p.Arg280Trp; replaces arginine 280 with tryptophan.
Molecular consequence: missense variant.
Genome position (GRCh38, 1-based): chr9:35,794,068, C>T. VCF-style: chr9-35794068-C-T. GRCh37 (hg19) VCF-style: chr9-35794065-C-T.
Other names: c.838C>T, p.Arg280Trp (NM_001378923.1); short protein forms R280W.
Identifiers: ClinVar variation 3896673 (VCV003896673.2).

ClinVar aggregate classification (germline): Uncertain significance (1 of 4 stars; one submission).

Submission:

Women's Health and Genetics/Laboratory Corporation of America, LabCorp
Classification: Uncertain significance. Last evaluated: 2025-04-23. Review status: criteria provided, single submitter. Criteria: LabCorp Variant Classification Summary - May 2015. Collection method: clinical testing. Allele origin: germline.
Comment: Variant summary: NPR2 c.838C>T (p.Arg280Trp) results in a non-conservative amino acid change in the encoded protein sequence. Three of five in-silico tools predict a damaging effect of the variant on protein function. The variant allele was found at a frequency of 1.2e-05 in 251152 control chromosomes (gnomAD). The available data on variant occurrences in the general population are insufficient to allow any conclusion about variant significance. c.838C>T has been observed in at least an individual affected with NPR2-Related Disorders (Menezes Andrade_2022). This report however, does not provide unequivocal conclusions about association of the variant with NPR2-Related Disorders. To our knowledge, no experimental evidence demonstrating an impact on protein function has been reported. The following publication has been ascertained in the context of this evaluation (PMID: 36373817). No submitters have cited clinical-significance assessments for this variant to ClinVar. Based on the evidence outlined above, the variant was classified as uncertain significance.

Literature cited by the submitters: PubMed 36373817.